The following is an entry in ClinVar:

NM_014956.5(CEP164):c.3483G>A (p.Met1161Ile)

Gene: CEP164 (centrosomal protein 164; plus strand). Cytogenetic location: 11q23.3.
Variant type: single nucleotide variant.
Coding change: c.3483G>A on transcript NM_014956.5 (MANE Select); coding-DNA position 3483, G replaced by A.
Protein change: p.Met1161Ile; replaces methionine 1161 with isoleucine.
Molecular consequence: missense variant.
Genome position (GRCh38, 1-based): chr11:117,397,295, G>A. VCF-style: chr11-117397295-G-A. GRCh37 (hg19) VCF-style: chr11-117268011-G-A.
Other names: c.3492G>A, p.Met1164Ile (NM_001271933.2); short protein forms M1164I, M1161I.
Identifiers: ClinVar variation 841957 (VCV000841957.9), dbSNP rs757309937, ClinGen allele CA6295459.
Genomic context (GRCh38, chr11:117,397,295, plus strand): 5'-GCTGGCCAGTGCGCAGGAGGTGGCCAAAGACCCACCAGGCATCAAGGCCCTGGAAGATAT[G>A]CGCAAGAACCTGGAGAAGGTCAGGAGCTTTGGGAAGGGCCTGCCAGCCCTGTGTGGGGGA-3'
Protein context (NP_055771.4, residues 1151-1171): DPPGIKALED[Met1161Ile]RKNLEKETRH

ClinVar aggregate classification (germline): Uncertain significance (1 of 4 stars; one submission).

Conditions:
Nephronophthisis 15 (NPHP15). Identifiers: Orphanet 3156, MedGen C3541853, MONDO:0013917, OMIM 614845.

Allele frequency attached by ClinVar (database versions not stated): TOPMed below 0.00001; gnomAD exomes 0.00001; ExAC 0.00003.

Submission:

Labcorp Genetics (formerly Invitae), Labcorp
Classification: Uncertain significance for Nephronophthisis 15. Last evaluated: 2022-09-13. Review status: criteria provided, single submitter. Criteria: Invitae Variant Classification Sherloc (09022015). Collection method: clinical testing. Allele origin: germline.
Comment: This sequence change replaces methionine, which is neutral and non-polar, with isoleucine, which is neutral and non-polar, at codon 1161 of the CEP164 protein (p.Met1161Ile). In summary, the available evidence is currently insufficient to determine the role of this variant in disease. Therefore, it has been classified as a Variant of Uncertain Significance. Advanced modeling of protein sequence and biophysical properties (such as structural, functional, and spatial information, amino acid conservation, physicochemical variation, residue mobility, and thermodynamic stability) performed at Invitae indicates that this missense variant is not expected to disrupt CEP164 protein function. ClinVar contains an entry for this variant (Variation ID: 841957). This variant has not been reported in the literature in individuals affected with CEP164-related conditions. This variant is present in population databases (rs757309937, gnomAD 0.02%).